The following is an entry in ClinVar:

NM_020999.4(NEUROG3):c.353A>G (p.Lys118Arg)

Gene: NEUROG3 (neurogenin 3; minus strand). Cytogenetic location: 10q22.1.
Variant type: single nucleotide variant.
Coding change: c.353A>G on transcript NM_020999.4 (MANE Select); coding-DNA position 353, A replaced by G.
Protein change: p.Lys118Arg; replaces lysine 118 with arginine.
Molecular consequence: missense variant.
Genome position (GRCh38, 1-based): chr10:69,572,691, T>C on the plus strand (A>G on the coding strand, the complement: NEUROG3 is on the minus strand). VCF-style: chr10-69572691-T-C. GRCh37 (hg19) VCF-style: chr10-71332447-T-C.
Other names: short protein forms K118R.
Identifiers: ClinVar variation 1481481 (VCV001481481.6), dbSNP rs1279942853, ClinGen allele CA376922211.

ClinVar aggregate classification (germline): Uncertain significance (1 of 4 stars; one submission).

Submission:

Labcorp Genetics (formerly Invitae), Labcorp
Classification: Uncertain significance. Last evaluated: 2021-08-27. Review status: criteria provided, single submitter. Criteria: Invitae Variant Classification Sherloc (09022015). Collection method: clinical testing. Allele origin: germline.
Comment: In summary, the available evidence is currently insufficient to determine the role of this variant in disease. Therefore, it has been classified as a Variant of Uncertain Significance. Algorithms developed to predict the effect of missense changes on protein structure and function are either unavailable or do not agree on the potential impact of this missense change (SIFT: "Tolerated"; PolyPhen-2: "Probably Damaging"; Align-GVGD: "Class C0"). This variant has not been reported in the literature in individuals affected with NEUROG3-related conditions. This variant is not present in population databases (ExAC no frequency). This sequence change replaces lysine with arginine at codon 118 of the NEUROG3 protein (p.Lys118Arg). The lysine residue is highly conserved and there is a small physicochemical difference between lysine and arginine.